The following is an entry in ClinVar:

ClinVar aggregate classification (germline): Likely pathogenic (1 of 4 stars; one submission).

Conditions:
Niemann-Pick disease, type A. Also called: SPHINGOMYELIN LIPIDOSIS; SPHINGOMYELINASE DEFICIENCY; Infantile Neurovisceral ASMD (Niemann-Pick Disease Type A; NPD-A). Identifiers: Orphanet 77292, MedGen C0268242, MONDO:0009756, OMIM 257200. Disease mechanism: loss of function.

Submission:

Natera, Inc.
Classification: Likely pathogenic for Niemann-Pick Disease, Types A/B. Last evaluated: 2025-08-21. Review status: criteria provided, single submitter. Criteria: Natera Variant Classification Schema (03/2026). Collection method: clinical testing. Allele origin: germline.
Comment: The c.421_517delGAGGATGACATGGTGGAGGTGTGGAGACGCTCAGTGCTGAGCCCATCTGAGGCCTGTGGCCTGCTCCTGGGCTCCACCTGTGGGCACTGGGACATTT variant in SMPD1 is a frameshift variant predicted to shift the reading frame beginning at codon 141 and leads to a stop codon 84 codons downstream. This variant is expected to result in nonsense mediated decay, truncation, or a dysfunctional protein product. This variant is rare in the general population with a frequency below the threshold expected for the associated phenotype(s). Given the available evidence, this variant is classified as Likely Pathogenic.

NM_000543.5(SMPD1):c.421_517del (p.Glu141fs)

Gene: SMPD1 (sphingomyelin phosphodiesterase 1; plus strand). Cytogenetic location: 11p15.4.
Variant type: Deletion.
Coding change: c.421_517del on transcript NM_000543.5 (MANE Select); coding-DNA positions 421 to 517, 97 bases deleted.
Protein change: p.Glu141fs; shifts the reading frame from glutamic acid 141.
Molecular consequence: frameshift variant. On other transcripts: 5 prime UTR variant (1), non-coding transcript variant (1).
Genome position (GRCh38, 1-based): chr11:6,391,486-6,391,582, 97 bases deleted. GRCh37 (hg19): chr11:6,412,716-6,412,812.
Other names: c.418_514del, p.Glu140fs (NM_001007593.3); c.421_517del, p.Glu141fs (NM_001318087.2, NM_001365135.2); c.-541_-445del (NM_001318088.2); short protein forms E140fs, E141fs.
Identifiers: ClinVar variation 4814352 (VCV004814352.1).